The following is an entry in ClinVar:

NM_003998.4(NFKB1):c.2029G>A (p.Asp677Asn)

Gene: NFKB1 (nuclear factor kappa B subunit 1; plus strand). Cytogenetic location: 4q24.
Variant type: single nucleotide variant.
Coding change: c.2029G>A on transcript NM_003998.4 (MANE Select); coding-DNA position 2029, G replaced by A.
Protein change: p.Asp677Asn; replaces aspartic acid 677 with asparagine.
Molecular consequence: missense variant.
Genome position (GRCh38, 1-based): chr4:102,607,224, G>A. VCF-style: chr4-102607224-G-A. GRCh37 (hg19) VCF-style: chr4-103528381-G-A.
Other names: c.2029G>A (NM_003998.3); c.2026G>A, p.Asp676Asn (NM_001165412.2, NM_001319226.2, NM_001382627.1); c.2029G>A, p.Asp677Asn (NM_001382625.1, NM_001382626.1); c.1987G>A, p.Asp663Asn (NM_001382628.1); short protein forms D676N, D677N, D663N.
Identifiers: ClinVar variation 1908978 (VCV001908978.6), dbSNP rs1380630328, ClinGen allele CA357752428.

ClinVar aggregate classification (germline): Uncertain significance. Review status: criteria provided, multiple submitters, no conflicts (2 of 4 stars). 2 submissions from 2 submitters: Uncertain significance (2). Last evaluated 2025-08-30.

Conditions:
Inborn genetic diseases. Identifiers: MedGen C0950123, MeSH D030342.

Allele frequency attached by ClinVar (database versions not stated): gnomAD exomes below 0.00001; gnomAD 0.00001; TOPMed 0.00001.
gnomAD v4.1: 3 of 1,614,104 alleles (0.00019%); highest among the groups gnomAD compares: African/African-American, 0.0027%; no homozygotes.

Submissions (2):

Ambry Genetics
Classification: Uncertain significance for Inborn genetic diseases. Last evaluated: 2025-08-30. Review status: criteria provided, single submitter. Criteria: Ambry Variant Classification Scheme 2023. Collection method: clinical testing. Allele origin: germline.

Labcorp Genetics (formerly Invitae), Labcorp
Classification: Uncertain significance. Last evaluated: 2024-07-30. Review status: criteria provided, single submitter. Criteria: Invitae Variant Classification Sherloc (09022015). Collection method: clinical testing. Allele origin: germline.
Comment: This sequence change replaces aspartic acid, which is acidic and polar, with asparagine, which is neutral and polar, at codon 677 of the NFKB1 protein (p.Asp677Asn). This variant is not present in population databases (gnomAD no frequency). This variant has not been reported in the literature in individuals affected with NFKB1-related conditions. ClinVar contains an entry for this variant (Variation ID: 1908978). Advanced modeling of protein sequence and biophysical properties (such as structural, functional, and spatial information, amino acid conservation, physicochemical variation, residue mobility, and thermodynamic stability) performed at Invitae indicates that this missense variant is not expected to disrupt NFKB1 protein function with a negative predictive value of 80%. In summary, the available evidence is currently insufficient to determine the role of this variant in disease. Therefore, it has been classified as a Variant of Uncertain Significance.